The following is an entry in ClinVar:

NM_007126.5(VCP):c.2004+6dup

Gene: VCP (valosin containing protein; minus strand). Cytogenetic location: 9p13.3.
Variant type: Duplication.
Coding change: c.2004+6dup on transcript NM_007126.5 (MANE Select); 6 bases into the intron after coding-DNA position 2004, one base duplicated (T; older notation c.2004+6dupT).
Molecular consequence: intron variant.
Genome position (GRCh38, 1-based): chr9:35,059,487, A duplicated on the plus strand (T on the coding strand, the reverse complement: VCP is on the minus strand). VCF-style (leftmost placement, unchanged base first): chr9-35059486-C-CA. GRCh37 (hg19) VCF-style: chr9-35059483-C-CA.
Other names: c.1869+6dup (NM_001354927.2, NM_001354928.2).
Identifiers: ClinVar variation 3355251 (VCV003355251.1).
Genomic context (GRCh38, chr9:35,059,486, plus strand): 5'-TAAAGAGCACTCCGTACCAGCCTGAGGACTCATGCAAGTCTCCCACAGCCCATGATCTTG[C>CA]ACCTGCCTTGGCAACTGGGGACTTGCGCAGGTTAGCCTTGAGGATGGCAACACGGGACTT-3'

ClinVar aggregate classification (germline): Likely benign (0 of 4 stars; one submission).

Conditions:
VCP-related disorder. Also called: VCP-related condition; VCP-related disorders.

Submission:

PreventionGenetics, part of Exact Sciences
Classification: Likely benign for VCP-related condition. Last evaluated: 2024-02-28. Review status: no assertion criteria provided. Collection method: clinical testing. Allele origin: germline.
Comment: This variant is classified as likely benign based on ACMG/AMP sequence variant interpretation guidelines (Richards et al. 2015 PMID: 25741868, with internal and published modifications).